The following is an entry in ClinVar:

NM_013339.4(ALG6):c.839G>A (p.Cys280Tyr)

Gene: ALG6 (ALG6 alpha-1,3-glucosyltransferase; plus strand). Cytogenetic location: 1p31.3.
Variant type: single nucleotide variant.
Coding change: c.839G>A on transcript NM_013339.4 (MANE Select); coding-DNA position 839, G replaced by A.
Protein change: p.Cys280Tyr; replaces cysteine 280 with tyrosine.
Molecular consequence: missense variant.
Genome position (GRCh38, 1-based): chr1:63,414,083, G>A. VCF-style: chr1-63414083-G-A. GRCh37 (hg19) VCF-style: chr1-63879754-G-A.
Other names: short protein forms C280Y.
Identifiers: ClinVar variation 1696305 (VCV001696305.3), dbSNP rs756608021, ClinGen allele CA888276.

ClinVar aggregate classification (germline): Uncertain significance. Review status: criteria provided, multiple submitters, no conflicts (2 of 4 stars). 2 submissions from 2 submitters: Uncertain significance (2). Last evaluated 2022-08-21.

Conditions:
ALG6-congenital disorder of glycosylation 1C (CDG1C). Also called: Congenital disorder of glycosylation, type Ic; CARBOHYDRATE-DEFICIENT GLYCOPROTEIN SYNDROME, TYPE I, WITH DEFICIENT GLYCOSYLATION OF DOLICHOL-LINKED OLIGOSACCHARIDE; CARBOHYDRATE-DEFICIENT GLYCOPROTEIN SYNDROME, TYPE V; Congenital disorder of glycosylation type 1C; CDG Ic. Identifiers: Orphanet 79320, MedGen C2930997, MONDO:0011291, OMIM 603147.

Allele frequency attached by ClinVar (database versions not stated): ExAC 0.00001; gnomAD exomes 0.00001; gnomAD 0.00002; TOPMed 0.00003.
gnomAD v4.1: 25 of 1,612,352 alleles (0.0016%); highest among the groups gnomAD compares: Non-Finnish European, 0.002%; no homozygotes.

Submissions (2):

Labcorp Genetics (formerly Invitae), Labcorp
Classification: Uncertain significance for ALG6-congenital disorder of glycosylation 1C. Last evaluated: 2022-08-21. Review status: criteria provided, single submitter. Criteria: Invitae Variant Classification Sherloc (09022015). Collection method: clinical testing. Allele origin: germline.
Comment: This sequence change replaces cysteine, which is neutral and slightly polar, with tyrosine, which is neutral and polar, at codon 280 of the ALG6 protein (p.Cys280Tyr). This variant is present in population databases (rs756608021, gnomAD 0.0009%). This variant has not been reported in the literature in individuals affected with ALG6-related conditions. ClinVar contains an entry for this variant (Variation ID: 1696305). Algorithms developed to predict the effect of missense changes on protein structure and function are either unavailable or do not agree on the potential impact of this missense change (SIFT: "Deleterious"; PolyPhen-2: "Benign"; Align-GVGD: "Class C15"). In summary, the available evidence is currently insufficient to determine the role of this variant in disease. Therefore, it has been classified as a Variant of Uncertain Significance.

Women's Health and Genetics/Laboratory Corporation of America, LabCorp
Classification: Uncertain significance. Last evaluated: 2022-05-11. Review status: criteria provided, single submitter. Criteria: LabCorp Variant Classification Summary - May 2015. Collection method: clinical testing. Allele origin: germline.
Comment: Variant summary: ALG6 c.839G>A (p.Cys280Tyr) results in a non-conservative amino acid change in the encoded protein sequence. Four of four in-silico tools predict a damaging effect of the variant on protein function. The variant allele was found at a frequency of 8e-06 in 251208 control chromosomes. The available data on variant occurrences in the general population are insufficient to allow any conclusion about variant significance. c.839G>A has not, to our knowledge, been reported in the literature in individuals affected with Congenital Disorder Of Glycosylation Type 1C. To our knowledge, no experimental evidence demonstrating an impact on protein function has been reported. No clinical diagnostic laboratories have submitted clinical-significance assessments for this variant to ClinVar after 2014. Based on the evidence outlined above, the variant was classified as uncertain significance.

Literature cited by the submitters: PubMed 27287710 (cited by Women's Health and Genetics/Laboratory Corporation of America, LabCorp).